The following is an entry in ClinVar:

NM_001174089.2(SLC4A11):c.746C>T (p.Ala249Val)

Gene: SLC4A11 (solute carrier family 4 member 11; minus strand). Cytogenetic location: 20p13.
Variant type: single nucleotide variant.
Coding change: c.746C>T on transcript NM_001174089.2 (MANE Select); coding-DNA position 746, C replaced by T.
Protein change: p.Ala249Val; replaces alanine 249 with valine.
Molecular consequence: missense variant. On other transcripts: non-coding transcript variant (1).
Genome position (GRCh38, 1-based): chr20:3,231,532, G>A on the plus strand (C>T on the coding strand, the complement: SLC4A11 is on the minus strand). VCF-style: chr20-3231532-G-A. GRCh37 (hg19) VCF-style: chr20-3212178-G-A.
Other names: c.875C>T, p.Ala292Val (NM_001174090.2); c.746C>T, p.Ala249Val (NM_001363745.2); c.794C>T, p.Ala265Val (NM_032034.4); c.794C>T (NM_032034.3); short protein forms A249V, A265V, A292V.
Identifiers: ClinVar variation 1333245 (VCV001333245.2), dbSNP rs771135532, ClinGen allele CA9742124.

ClinVar aggregate classification (germline): Uncertain significance. Review status: criteria provided, multiple submitters, no conflicts (2 of 4 stars). 2 submissions from 2 submitters: Uncertain significance (2). Last evaluated 2024-03-07.

Conditions:
Inborn genetic diseases. Identifiers: MedGen C0950123, MeSH D030342.
Congenital hereditary endothelial dystrophy of cornea. Also called: CORNEAL DYSTROPHY, CONGENITAL HEREDITARY ENDOTHELIAL; Congenital hereditary endothelial dystrophy type II; Congenital hereditary endothelial dystrophy of the cornea; Maumenee corneal dystrophy; Corneal endothelial dystrophy, autosomal recessive. Identifiers: Orphanet 293603, MedGen C1857569, MONDO:0009019, OMIM 217700.

Allele frequency attached by ClinVar (database versions not stated): TOPMed 0.00001; ExAC 0.00002; gnomAD exomes 0.00002.

Submissions (2):

Ambry Genetics
Classification: Uncertain significance for Inborn genetic diseases. Last evaluated: 2024-03-07. Review status: criteria provided, single submitter. Criteria: Ambry Variant Classification Scheme 2023. Collection method: clinical testing. Allele origin: germline.

3billion
Classification: Uncertain significance for Congenital hereditary endothelial dystrophy of cornea. Last evaluated: 2022-01-03. Review status: criteria provided, single submitter. Criteria: ACMG Guidelines, 2015. Collection method: clinical testing. Allele origin: germline. Affected: yes. Observed: 1 heterozygote.
Comment: The variant observed at an extremely low frequency in the gnomAD v2.1.1 dataset (total allele frequency: 0.000016, PM2_M). In silico tool predictions suggest damaging effect of the variant on gene or gene product (REVEL: 0.61, PP3_P). Therefore, this variant is classified as uncertain significance according to the recommendation of ACMG/AMP guideline.